The following is an entry in ClinVar:

NM_004369.4(COL6A3):c.5501-4C>G

Gene: COL6A3 (collagen type VI alpha 3 chain; minus strand). Cytogenetic location: 2q37.3.
Variant type: single nucleotide variant.
Coding change: c.5501-4C>G on transcript NM_004369.4 (MANE Select); 4 bases into the intron before coding-DNA position 5501, C replaced by G.
Molecular consequence: intron variant.
Genome position (GRCh38, 1-based): chr2:237,366,039, G>C on the plus strand (C>G on the coding strand, the complement: COL6A3 is on the minus strand). VCF-style: chr2-237366039-G-C. GRCh37 (hg19) VCF-style: chr2-238274682-G-C.
Other names: c.3680-4C>G (NM_057166.5); c.4883-4C>G (NM_057167.4).
Identifiers: ClinVar variation 194054 (VCV000194054.55), dbSNP rs143237699, ClinGen allele CA239847.

ClinVar aggregate classification (germline): Conflicting classifications of pathogenicity. Review status: criteria provided, conflicting classifications (1 of 4 stars). 4 submissions from 4 submitters: Uncertain significance (1); Likely benign (3). Last evaluated 2025-10-15.

Conditions:
COL6A3-related disorder. Also called: COL6A3-related condition; COL6A3-related disorders.
Bethlem myopathy 1A. Also called: Bethlem myopathy 1; MYOPATHY, BENIGN CONGENITAL, WITH CONTRACTURES; Bethlem Muscular Dystrophy. Identifiers: Orphanet 610, MedGen CN029274, MONDO:0024530, OMIM 158810.

Allele frequency attached by ClinVar (database versions not stated): gnomAD exomes 0.00006 and 0.00010; gnomAD 0.00011 and 0.00013; 1000 Genomes Project 30x 0.00016; ESP Exome Variant Server 0.00016; ExAC 0.00017; TOPMed 0.00018; 1000 Genomes Project 0.00020.
gnomAD v4.1: 120 of 1,613,154 alleles (0.0074%); highest among the groups gnomAD compares: Middle Eastern, 0.05%; no homozygotes.

Submissions (4):

Labcorp Genetics (formerly Invitae), Labcorp
Classification: Likely benign for Bethlem myopathy 1A. Last evaluated: 2025-10-15. Review status: criteria provided, single submitter. Criteria: Invitae Variant Classification Sherloc (09022015). Collection method: clinical testing. Allele origin: germline.

PreventionGenetics, part of Exact Sciences
Classification: Likely benign for COL6A3-related condition. Last evaluated: 2025-08-04. Review status: criteria provided, single submitter. Criteria: ACMG Guidelines, 2015. Collection method: clinical testing. Allele origin: germline.
Comment: This variant is classified as likely benign based on ACMG/AMP sequence variant interpretation guidelines (Richards et al. 2015 PMID: 25741868, with internal and published modifications).

CeGaT Center for Human Genetics Tuebingen
Classification: Likely benign. Last evaluated: 2024-06-01. Review status: criteria provided, single submitter. Criteria: CeGaT Center For Human Genetics Tuebingen Variant Classification Criteria Version 2. Collection method: clinical testing. Allele origin: germline. Affected: yes. Observed: 3 variant alleles.
Comment: COL6A3: BP4

Eurofins Ntd Llc (ga)
Classification: Uncertain significance. Last evaluated: 2016-09-19. Review status: criteria provided, single submitter. Criteria: EGL Classification Definitions 2015. Collection method: clinical testing. Allele origin: germline. Observed: 3 variant alleles, 3 heterozygotes.